The following is an entry in ClinVar:

NM_001371623.1(TCOF1):c.634G>A (p.Val212Met)

Gene: TCOF1 (treacle ribosome biogenesis factor 1; plus strand). Cytogenetic location: 5q32.
Variant type: single nucleotide variant.
Coding change: c.634G>A on transcript NM_001371623.1 (MANE Select); coding-DNA position 634, G replaced by A.
Protein change: p.Val212Met; replaces valine 212 with methionine.
Molecular consequence: missense variant.
Genome position (GRCh38, 1-based): chr5:150,369,597, G>A. VCF-style: chr5-150369597-G-A. GRCh37 (hg19) VCF-style: chr5-149749160-G-A.
Other names: c.634G>A, p.Val212Met (NM_000356.4, NM_001008657.3, NM_001135243.2 and 3 more transcripts); short protein forms V212M.
Identifiers: ClinVar variation 4776037 (VCV004776037.2), dbSNP rs200204590.

ClinVar aggregate classification (germline): Uncertain significance. Review status: criteria provided, multiple submitters, no conflicts (2 of 4 stars). 2 submissions from 2 submitters: Uncertain significance (2). Last evaluated 2025-12-22.

Conditions:
TCOF1-related disorder. Also called: TCOF1-related condition.
Treacher Collins syndrome 1 (TCS1). Also called: TCOF1-Related Treacher Collins Syndrome. Identifiers: Orphanet 861, MedGen CN315775, MONDO:0007944, OMIM 154500.

Allele frequency attached by ClinVar (database versions not stated): gnomAD exomes below 0.00001; ExAC 0.00001; TOPMed 0.00002; gnomAD 0.00003; 1000 Genomes Project 0.00020.
gnomAD v4.1: 15 of 1,614,134 alleles (0.00093%); highest among the groups gnomAD compares: Middle Eastern, 0.016%; no homozygotes.

Submissions (2):

PreventionGenetics, part of Exact Sciences
Classification: Uncertain significance for TCOF1-related condition. Last evaluated: 2025-12-22. Review status: criteria provided, single submitter. Criteria: ACMG Guidelines, 2015. Collection method: clinical testing. Allele origin: germline.
Comment: The TCOF1 c.634G>A variant is predicted to result in the amino acid substitution p.Val212Met. To our knowledge, this variant has not been reported in the literature. This variant is reported in 0.0080% of alleles in individuals of African descent in gnomAD. At this time, the clinical significance of this variant is uncertain due to the absence of conclusive functional and genetic evidence.

Labcorp Genetics (formerly Invitae), Labcorp
Classification: Uncertain significance for Treacher Collins syndrome 1. Last evaluated: 2025-04-22. Review status: criteria provided, single submitter. Criteria: Invitae Variant Classification Sherloc (09022015). Collection method: clinical testing. Allele origin: germline.
Comment: This sequence change replaces valine, which is neutral and non-polar, with methionine, which is neutral and non-polar, at codon 212 of the TCOF1 protein (p.Val212Met). This variant is present in population databases (rs200204590, gnomAD 0.008%). This variant has not been reported in the literature in individuals affected with TCOF1-related conditions. Invitae Evidence Modeling of protein sequence and biophysical properties (such as structural, functional, and spatial information, amino acid conservation, physicochemical variation, residue mobility, and thermodynamic stability) indicates that this missense variant is not expected to disrupt TCOF1 protein function with a negative predictive value of 80%. In summary, the available evidence is currently insufficient to determine the role of this variant in disease. Therefore, it has been classified as a Variant of Uncertain Significance.